The following is an entry in ClinVar:

ClinVar aggregate classification (germline): Uncertain significance (1 of 4 stars; one submission).

Allele frequency attached by ClinVar (database versions not stated): gnomAD 0.00007; TOPMed 0.00008; ExAC 0.00009; gnomAD exomes 0.00010 and 0.00011.
gnomAD v4.1: 154 of 1,614,004 alleles (0.0095%); highest among the groups gnomAD compares: Middle Eastern, 0.016%; no homozygotes.

Submissions (2):

Labcorp Genetics (formerly Invitae), Labcorp
Classification: Uncertain significance. Last evaluated: 2022-10-16. Review status: criteria provided, single submitter. Criteria: Invitae Variant Classification Sherloc (09022015). Collection method: clinical testing. Allele origin: germline.
Comment: This sequence change falls in intron 5 of the CLPP gene. It does not directly change the encoded amino acid sequence of the CLPP protein. It affects a nucleotide within the consensus splice site. This variant is present in population databases (rs761391026, gnomAD 0.02%). This variant has not been reported in the literature in individuals affected with CLPP-related conditions. ClinVar contains an entry for this variant (Variation ID: 1405164). Variants that disrupt the consensus splice site are a relatively common cause of aberrant splicing (PMID: 17576681, 9536098). Algorithms developed to predict the effect of sequence changes on RNA splicing suggest that this variant is not likely to affect RNA splicing. In summary, the available evidence is currently insufficient to determine the role of this variant in disease. Therefore, it has been classified as a Variant of Uncertain Significance.

Dr. Peter K. Rogan Lab, Western University
No classification provided (evidence only). Condition: Ovarian serous cystadenocarcinoma. Review status: no classification provided. Collection method: in vitro. Allele origin: not applicable. Functional consequence: retained intron. Not counted in ClinVar's aggregate classification.

Literature cited by the submitters: PubMed 17576681 (cited by Labcorp Genetics (formerly Invitae), Labcorp); PubMed 9536098 (cited by Labcorp Genetics (formerly Invitae), Labcorp).

NM_006012.4(CLPP):c.662-3C>T

Gene: CLPP (caseinolytic mitochondrial matrix peptidase proteolytic subunit; plus strand). Cytogenetic location: 19p13.3.
Variant type: single nucleotide variant.
Coding change: c.662-3C>T on transcript NM_006012.4 (MANE Select); 3 bases into the intron before coding-DNA position 662, C replaced by T.
Molecular consequence: intron variant.
Genome position (GRCh38, 1-based): chr19:6,368,535, C>T. VCF-style: chr19-6368535-C-T. GRCh37 (hg19) VCF-style: chr19-6368546-C-T.
Identifiers: ClinVar variation 1405164 (VCV001405164.4), dbSNP rs761391026, ClinGen allele CA9123005.